The following is an entry in ClinVar:

NM_014633.5(CTR9):c.2307G>A (p.Leu769=)

Gene: CTR9 (CTR9 component of Paf1/RNA polymerase II complex; plus strand). Cytogenetic location: 11p15.4.
Variant type: single nucleotide variant.
Coding change: c.2307G>A on transcript NM_014633.5 (MANE Select); coding-DNA position 2307, G replaced by A.
Protein change: p.Leu769=; no amino-acid change (leucine 769 retained).
Molecular consequence: synonymous variant.
Genome position (GRCh38, 1-based): chr11:10,770,567, G>A. VCF-style: chr11-10770567-G-A. GRCh37 (hg19) VCF-style: chr11-10792114-G-A.
Other names: c.2307G>A, p.Leu769= (NM_001346279.2).
Identifiers: ClinVar variation 2641603 (VCV002641603.24), dbSNP rs2539387141, ClinGen allele CA473256955.
Genomic context (GRCh38, chr11:10,770,567, plus strand): 5'-TGATACAGTTCTTATGTTTAATGTGGCCTTGGTCCTGCAAAGATTAGCTACCTCTGTCCT[G>A]AAAGATGAAAAAAGTAATCTGAAGGAAGTACTTAATGCTGTGAAAGAACTGGAGCTTGCA-3'
Protein context (NP_055448.1, residues 759-779): LVLQRLATSV[Leu769=]KDEKSNLKEV

ClinVar aggregate classification (germline): Likely benign (1 of 4 stars; one submission).

Submission:

CeGaT Center for Human Genetics Tuebingen
Classification: Likely benign. Last evaluated: 2023-04-01. Review status: criteria provided, single submitter. Criteria: CeGaT Center For Human Genetics Tuebingen Variant Classification Criteria Version 2. Collection method: clinical testing. Allele origin: germline. Affected: yes. Observed: 1 variant allele.
Comment: CTR9: PM2:Supporting, BP4, BP7